The following is an entry in ClinVar:

ClinVar aggregate classification (germline): Uncertain significance (1 of 4 stars; one submission).

Submission:

Women's Health and Genetics/Laboratory Corporation of America, LabCorp
Classification: Uncertain significance. Last evaluated: 2026-03-27. Review status: criteria provided, single submitter. Criteria: LabCorp Variant Classification Summary - May 2015. Collection method: clinical testing. Allele origin: germline.
Comment: Variant summary: The variant involves the deletion of exons 2-11 in the POLD2 gene. A presumed nomenclature of c.(-57+1_-56-1)_(*106_?)del has been designated for the purposes of this classification. This deletion includes the entire coding sequence of the gene. As the exact proximal and distal breakpoints are unknown, it may extend beyond the annotated region of the gene to include other flanking genes. Current evidence is not sufficient to establish loss of function as a mechanism for disease. The variant was absent in 21692 control chromosomes. The available data on variant occurrences in the general population are insufficient to allow any conclusion about variant significance. To our knowledge, no occurrence of c.(-57+1_-56-1)_(*106_?)del in individuals affected with POLD2-related conditions and no experimental evidence demonstrating its impact on protein function have been reported. No submitters have cited clinical-significance assessments for this variant to ClinVar. Based on the evidence outlined above, the variant was classified as uncertain significance.

NC_000007.13:g.(?_44154278)_(44161709_44163109)del

Gene: POLD2 (DNA polymerase delta 2, accessory subunit; minus strand). Cytogenetic location: 7p13.
Variant type: Deletion.
Identifiers: ClinVar variation 4847636 (VCV004847636.1).